The following is an entry in ClinVar:

ClinVar aggregate classification (germline): Uncertain significance (1 of 4 stars; one submission).

Allele frequency attached by ClinVar (database versions not stated): gnomAD exomes below 0.00001.
gnomAD v4.1: 1 of 1,613,460 alleles (0.000062%); highest among the groups gnomAD compares: Non-Finnish European, 0.000085%; no homozygotes.

Submission:

GeneDx
Classification: Uncertain significance. Last evaluated: 2022-07-07. Review status: criteria provided, single submitter. Criteria: GeneDx Variant Classification Process June 2021. Collection method: clinical testing. Allele origin: germline. Affected: yes.
Comment: Not observed at significant frequency in large population cohorts (gnomAD); In silico analysis supports that this variant does not alter splicing; Has not been previously published as pathogenic or benign to our knowledge

NM_001136472.2(LITAF):c.463C>T (p.Leu155=)

Gene: LITAF (lipopolysaccharide induced TNF factor; minus strand). Cytogenetic location: 16p13.13.
Variant type: single nucleotide variant.
Coding change: c.463C>T on transcript NM_001136472.2 (MANE Select); coding-DNA position 463, C replaced by T.
Protein change: p.Leu155=; no amino-acid change (leucine 155 retained).
Molecular consequence: synonymous variant. On other transcripts: 3 prime UTR variant (1), non-coding transcript variant (1).
Genome position (GRCh38, 1-based): chr16:11,549,660, G>A on the plus strand (C>T on the coding strand, the complement: LITAF is on the minus strand). VCF-style: chr16-11549660-G-A. GRCh37 (hg19) VCF-style: chr16-11643516-G-A.
Other names: c.*102C>T (NM_001136473.1); c.463C>T, p.Leu155= (NM_004862.4).
Identifiers: ClinVar variation 1810557 (VCV001810557.1), dbSNP rs2506541610, ClinGen allele CA394763230.